The following is an entry in ClinVar:

NM_000143.4(FH):c.1472A>G (p.Tyr491Cys)

Gene: FH (fumarate hydratase; minus strand). Cytogenetic location: 1q43.
Variant type: single nucleotide variant.
Coding change: c.1472A>G on transcript NM_000143.4 (MANE Select); coding-DNA position 1472, A replaced by G.
Protein change: p.Tyr491Cys; replaces tyrosine 491 with cysteine.
Molecular consequence: missense variant.
Genome position (GRCh38, 1-based): chr1:241,497,889, T>C on the plus strand (A>G on the coding strand, the complement: FH is on the minus strand). VCF-style: chr1-241497889-T-C. GRCh37 (hg19) VCF-style: chr1-241661189-T-C.
Other names: short protein forms Y491C.
Identifiers: ClinVar variation 485577 (VCV000485577.16), dbSNP rs773801940, ClinGen allele CA40371583.

ClinVar aggregate classification (germline): Uncertain significance. Review status: criteria provided, multiple submitters, no conflicts (2 of 4 stars). 3 submissions from 3 submitters: Uncertain significance (3). Last evaluated 2025-11-03.

Conditions:
Hereditary cancer-predisposing syndrome. Also called: Tumor predisposition; Hereditary Cancer Syndrome; Hereditary neoplastic syndrome; Neoplastic Syndromes, Hereditary. Identifiers: Orphanet 140162, MedGen C0027672, MeSH D009386, MONDO:0015356.

Allele frequency attached by ClinVar (database versions not stated): gnomAD exomes below 0.00001; TOPMed below 0.00001; gnomAD 0.00001.
gnomAD v4.1: 2 of 1,613,376 alleles (0.00012%); highest among the groups gnomAD compares: Admixed American, 0.0017%; no homozygotes.

Submissions (3):

Labcorp Genetics (formerly Invitae), Labcorp
Classification: Uncertain significance. Last evaluated: 2025-11-03. Review status: criteria provided, single submitter. Criteria: Invitae Variant Classification Sherloc (09022015). Collection method: clinical testing. Allele origin: germline.
Comment: This sequence change replaces tyrosine, which is neutral and polar, with cysteine, which is neutral and slightly polar, at codon 491 of the FH protein (p.Tyr491Cys). This variant is not present in population databases (gnomAD no frequency). This variant has not been reported in the literature in individuals affected with FH-related conditions. ClinVar contains an entry for this variant (Variation ID: 485577). Invitae Evidence Modeling of protein sequence and biophysical properties (such as structural, functional, and spatial information, amino acid conservation, physicochemical variation, residue mobility, and thermodynamic stability) has been performed for this missense variant. However, the output from this modeling did not meet the statistical confidence thresholds required to predict the impact of this variant on FH protein function. In summary, the available evidence is currently insufficient to determine the role of this variant in disease. Therefore, it has been classified as a Variant of Uncertain Significance.

GeneDx
Classification: Uncertain significance. Last evaluated: 2023-04-04. Review status: criteria provided, single submitter. Criteria: GeneDx Variant Classification Process June 2021. Collection method: clinical testing. Allele origin: germline. Affected: yes.
Comment: Not observed at significant frequency in large population cohorts (gnomAD); In silico analysis supports that this missense variant has a deleterious effect on protein structure/function; Has not been previously published as pathogenic or benign to our knowledge

Ambry Genetics
Classification: Uncertain significance for Hereditary cancer-predisposing syndrome. Last evaluated: 2017-05-25. Review status: criteria provided, single submitter. Criteria: Ambry Variant Classification Scheme 2023. Collection method: clinical testing. Allele origin: germline.
Comment: The p.Y491C variant (also known as c.1472A>G), located in coding exon 10 of the FH gene, results from an A to G substitution at nucleotide position 1472. The tyrosine at codon 491 is replaced by cysteine, an amino acid with highly dissimilar properties. This amino acid position is well conserved in available vertebrate species. In addition, this alteration is predicted to be deleterious by in silico analysis. Since supporting evidence is limited at this time, the clinical significance of this alteration remains unclear.